The following is an entry in ClinVar:

ClinVar aggregate classification (germline): Uncertain significance (1 of 4 stars; one submission).

Conditions:
Hereditary cancer-predisposing syndrome. Also called: Neoplastic Syndromes, Hereditary; Tumor predisposition; Hereditary Cancer Syndrome; Hereditary neoplastic syndrome. Identifiers: Orphanet 140162, MedGen C0027672, MeSH D009386, MONDO:0015356.

Submission:

Color Diagnostics, LLC DBA Color Health
Classification: Uncertain significance for Hereditary cancer-predisposing syndrome. Last evaluated: 2024-03-07. Review status: criteria provided, single submitter. Criteria: ACMG Guidelines, 2015. Collection method: clinical testing. Allele origin: germline.
Comment: This missense variant replaces glutamic acid with aspartic acid at codon 14 of the STK11 protein. Computational prediction suggests that this variant may not impact protein structure and function (internally defined REVEL score threshold <= 0.5, PMID: 27666373). To our knowledge, functional studies have not been reported for this variant. This variant has not been reported in individuals affected with hereditary cancer in the literature. This variant has not been identified in the general population by the Genome Aggregation Database (gnomAD). The available evidence is insufficient to determine the role of this variant in disease conclusively. Therefore, this variant is classified as a Variant of Uncertain Significance.

NM_000455.5(STK11):c.42G>C (p.Glu14Asp)

Gene: STK11 (serine/threonine kinase 11; plus strand). Cytogenetic location: 19p13.3.
Variant type: single nucleotide variant.
Coding change: c.42G>C on transcript NM_000455.5 (MANE Select); coding-DNA position 42, G replaced by C.
Protein change: p.Glu14Asp; replaces glutamic acid 14 with aspartic acid.
Molecular consequence: missense variant. On other transcripts: non-coding transcript variant (1).
Genome position (GRCh38, 1-based): chr19:1,206,955, G>C. VCF-style: chr19-1206955-G-C. GRCh37 (hg19) VCF-style: chr19-1206954-G-C.
Other names: c.42G>C, p.Glu14Asp (NM_001407255.1); short protein forms E14D.
Identifiers: ClinVar variation 2774532 (VCV002774532.2), dbSNP rs758769888, ClinGen allele CA402943207.
Genomic context (GRCh38, chr19:1,206,955, plus strand): 5'-CCAGGACCCTGGGTCCAGCATGGAGGTGGTGGACCCGCAGCAGCTGGGCATGTTCACGGA[G>C]GGCGAGCTGATGTCGGTGGGTATGGACACGTTCATCCACCGCATCGACTCCACCGAGGTC-3'
Protein context (NP_000446.1, residues 4-24): VDPQQLGMFT[Glu14Asp]GELMSVGMDT